The following is an entry in ClinVar:

ClinVar aggregate classification (germline): Uncertain significance. Review status: criteria provided, multiple submitters, no conflicts (2 of 4 stars). 4 submissions from 4 submitters: Uncertain significance (3). 1 of the submissions does not count toward it. Last evaluated 2025-04-30.

Conditions:
Hereditary cancer-predisposing syndrome. Also called: Tumor predisposition; Neoplastic Syndromes, Hereditary; Hereditary Cancer Syndrome; Hereditary neoplastic syndrome. Identifiers: Orphanet 140162, MedGen C0027672, MeSH D009386, MONDO:0015356.
Ataxia-telangiectasia syndrome (AT). Also called: Ataxia-telangiectasia; Cerebello-oculocutaneous telangiectasia; Immunodeficiency with ataxia telangiectasia; ATAXIA-TELANGIECTASIA, COMPLEMENTATION GROUP A; ATAXIA-TELANGIECTASIA, FRESNO VARIANT; Ataxia-telangiectasia, complementation group D. Identifiers: Orphanet 100, MedGen C0004135, MONDO:0008840, OMIM 208900.

Allele frequency attached by ClinVar (database versions not stated): gnomAD exomes below 0.00001; TOPMed 0.00001.
gnomAD v4.1: 2 of 1,613,978 alleles (0.00012%); highest among the groups gnomAD compares: Admixed American, 0.0033%; no homozygotes.

Submissions (4):

Labcorp Genetics (formerly Invitae), Labcorp
Classification: Uncertain significance for Ataxia-telangiectasia syndrome. Last evaluated: 2025-04-30. Review status: criteria provided, single submitter. Criteria: Invitae Variant Classification Sherloc (09022015). Collection method: clinical testing. Allele origin: germline.
Comment: This sequence change replaces cysteine, which is neutral and slightly polar, with glycine, which is neutral and non-polar, at codon 1838 of the ATM protein (p.Cys1838Gly). This variant is present in population databases (no rsID available, gnomAD 0.003%). This variant has not been reported in the literature in individuals affected with ATM-related conditions. ClinVar contains an entry for this variant (Variation ID: 418035). Invitae Evidence Modeling of protein sequence and biophysical properties (such as structural, functional, and spatial information, amino acid conservation, physicochemical variation, residue mobility, and thermodynamic stability) has been performed for this missense variant. However, the output from this modeling did not meet the statistical confidence thresholds required to predict the impact of this variant on ATM protein function. In summary, the available evidence is currently insufficient to determine the role of this variant in disease. Therefore, it has been classified as a Variant of Uncertain Significance.

Ambry Genetics
Classification: Uncertain significance for Hereditary cancer-predisposing syndrome. Last evaluated: 2024-10-01. Review status: criteria provided, single submitter. Criteria: Ambry Variant Classification Scheme 2023. Collection method: clinical testing. Allele origin: germline.
Comment: The p.C1838G variant (also known as c.5512T>G), located in coding exon 36 of the ATM gene, results from a T to G substitution at nucleotide position 5512. The cysteine at codon 1838 is replaced by glycine, an amino acid with highly dissimilar properties. This amino acid position is highly conserved in available vertebrate species. In addition, this alteration is predicted to be deleterious by in silico analysis. Since supporting evidence is limited at this time, the clinical significance of this alteration remains unclear.

GeneDx
Classification: Uncertain significance. Last evaluated: 2024-01-22. Review status: criteria provided, single submitter. Criteria: GeneDx Variant Classification Process June 2021. Collection method: clinical testing. Allele origin: germline. Affected: yes.
Comment: Not observed at significant frequency in large population cohorts (gnomAD); In silico analysis supports that this missense variant has a deleterious effect on protein structure/function; Has not been previously published as pathogenic or benign to our knowledge

Natera, Inc.
Classification: Uncertain significance for Ataxia-telangiectasia. Last evaluated: 2020-09-16. Review status: no assertion criteria provided. Collection method: clinical testing. Allele origin: germline. Not counted in ClinVar's aggregate classification.

NM_000051.4(ATM):c.5512T>G (p.Cys1838Gly)

Gene: ATM (ATM serine/threonine kinase; plus strand). Cytogenetic location: 11q22.3.
Variant type: single nucleotide variant.
Coding change: c.5512T>G on transcript NM_000051.4 (MANE Select); coding-DNA position 5512, T replaced by G.
Protein change: p.Cys1838Gly; replaces cysteine 1838 with glycine.
Molecular consequence: missense variant.
Genome position (GRCh38, 1-based): chr11:108,304,690, T>G. VCF-style: chr11-108304690-T-G. GRCh37 (hg19) VCF-style: chr11-108175417-T-G.
Other names: c.5512T>G, p.Cys1838Gly (NM_001351834.2); short protein forms C1838G.
Identifiers: ClinVar variation 418035 (VCV000418035.16), dbSNP rs587781390, ClinGen allele CA16619200.